The following is an entry in ClinVar:

NM_007294.4(BRCA1):c.5313C>T (p.Pro1771=)

Gene: BRCA1 (BRCA1 DNA repair associated; minus strand). Cytogenetic location: 17q21.31.
Variant type: single nucleotide variant.
Coding change: c.5313C>T on transcript NM_007294.4 (MANE Select); coding-DNA position 5313, C replaced by T.
Protein change: p.Pro1771=; no amino-acid change (proline 1771 retained).
Molecular consequence: synonymous variant. On other transcripts: intron variant (2).
Genome position (GRCh38, 1-based): chr17:43,051,082, G>A on the plus strand (C>T on the coding strand, the complement: BRCA1 is on the minus strand). VCF-style: chr17-43051082-G-A. GRCh37 (hg19) VCF-style: chr17-41203099-G-A.
Other names: c.5100C>T, p.Pro1700= (NM_001407571.1, NM_001407894.1, NM_001407895.1 and 12 more transcripts); c.5379C>T, p.Pro1793= (NM_001407581.1, NM_001407582.1); c.5376C>T, p.Pro1792= (NM_001407583.1, NM_001407585.1, NM_001407587.1 and 1 more transcripts); c.5373C>T, p.Pro1791= (NM_001407590.1, NM_001407591.1); c.5313C>T, p.Pro1771= (NM_001407593.1, NM_001407594.1, NM_001407596.1 and 6 more transcripts); c.5310C>T, p.Pro1770= (NM_001407610.1, NM_001407611.1, NM_001407612.1 and 17 more transcripts); c.5307C>T, p.Pro1769= (NM_001407627.1, NM_001407628.1, NM_001407629.1 and 14 more transcripts); c.5304C>T, p.Pro1768= (NM_001407644.1, NM_001407645.1); and 74 more.
Identifiers: ClinVar variation 427261 (VCV000427261.17), dbSNP rs1131692076, ClinGen allele CA500143586.

ClinVar aggregate classification (germline): Likely benign. Review status: reviewed by expert panel (3 of 4 stars). 4 submissions from 4 submitters: Likely benign (1). 3 of the submissions do not count toward it. Last evaluated 2017-06-29.

Conditions:
Hereditary breast ovarian cancer syndrome. Also called: Hereditary breast and ovarian cancer syndrome (HBOC); BRCA1- and BRCA2-Associated Hereditary Breast and Ovarian Cancer; Hereditary breast and/or ovarian cancer syndrome; Hereditary breast and ovarian cancer syndrome; Hereditary breast and ovarian cancer; Breast and ovarian cancer. Identifiers: Orphanet 145, MedGen C0677776, MeSH D061325, MONDO:0003582. Disease mechanism: loss of function.
Hereditary cancer-predisposing syndrome. Also called: Neoplastic Syndromes, Hereditary; Hereditary neoplastic syndrome; Tumor predisposition; Hereditary Cancer Syndrome. Identifiers: Orphanet 140162, MedGen C0027672, MeSH D009386, MONDO:0015356.
Breast-ovarian cancer, familial, susceptibility to, 1 (BROVCA1). Also called: BRCA1 Hereditary Breast and Ovarian Cancer; OVARIAN CANCER, SUSCEPTIBILITY TO. Identifiers: Orphanet 145, MedGen C2676676, MONDO:0011450, OMIM 604370. Disease mechanism: loss of function.

Allele frequency attached by ClinVar (database versions not stated): gnomAD exomes below 0.00001.
gnomAD v4.1: 1 of 1,614,074 alleles (0.000062%); highest among the groups gnomAD compares: Non-Finnish European, 0.000085%; no homozygotes.

Submissions (5):

Evidence-based Network for the Interpretation of Germline Mutant Alleles (ENIGMA)
Classification: Likely benign for Breast-ovarian cancer, familial, susceptibility to, 1. Last evaluated: 2017-06-29. Review status: reviewed by expert panel. Criteria: ENIGMA BRCA1/2 Classification Criteria (2017-06-29). Collection method: curation. Allele origin: germline.
Comment: Synonymous substitution variant, with low bioinformatic likelihood to result in a splicing aberration (Splicing prior probability 0.02).

Center for Genomic Medicine, Rigshospitalet, Copenhagen University Hospital
Classification: Benign. Last evaluated: 2025-03-04. Review status: criteria provided, single submitter. Criteria: ACMG Guidelines, 2015. Collection method: clinical testing. Allele origin: germline. Not counted in ClinVar's aggregate classification.

Labcorp Genetics (formerly Invitae), Labcorp
Classification: Likely benign for Hereditary breast ovarian cancer syndrome. Last evaluated: 2024-07-22. Review status: criteria provided, single submitter. Criteria: Invitae Variant Classification Sherloc (09022015). Collection method: clinical testing. Allele origin: germline. Not counted in ClinVar's aggregate classification.

Color Diagnostics, LLC DBA Color Health
Classification: Likely benign for Hereditary cancer-predisposing syndrome. Last evaluated: 2021-10-01. Review status: criteria provided, single submitter. Criteria: ACMG Guidelines, 2015. Collection method: clinical testing. Allele origin: germline. Not counted in ClinVar's aggregate classification.

Brotman Baty Institute, University of Washington
No classification provided (evidence only). Condition: Breast-ovarian cancer, familial 1. Review status: no classification provided. Collection method: in vitro. Allele origin: not applicable. Functional consequence: functionally_normal. Not counted in ClinVar's aggregate classification.
ClinVar note: "not provided" was previously submitted as the classification for the variant. However, the classification appeared to be based only on an observation of functional data so it was converted to no classification on 2025-07-30.